The following is an entry in ClinVar:

ClinVar aggregate classification (germline): Uncertain significance (1 of 4 stars; one submission).

Allele frequency attached by ClinVar (database versions not stated): TOPMed below 0.00001; gnomAD exomes 0.00001; ExAC 0.00005.
gnomAD v4.1: 13 of 1,614,086 alleles (0.00081%); highest among the groups gnomAD compares: African/African-American, 0.0013%; no homozygotes.

Submission:

Labcorp Genetics (formerly Invitae), Labcorp
Classification: Uncertain significance. Last evaluated: 2025-01-31. Review status: criteria provided, single submitter. Criteria: Invitae Variant Classification Sherloc (09022015). Collection method: clinical testing. Allele origin: germline.
Comment: This sequence change falls in intron 2 of the SLC4A1 gene. It does not directly change the encoded amino acid sequence of the SLC4A1 protein. It affects a nucleotide within the consensus splice site. This variant is present in population databases (rs374737980, gnomAD 0.01%). This variant has not been reported in the literature in individuals affected with SLC4A1-related conditions. ClinVar contains an entry for this variant (Variation ID: 2076984). Variants that disrupt the consensus splice site are a relatively common cause of aberrant splicing (PMID: 17576681, 9536098). Algorithms developed to predict the effect of sequence changes on RNA splicing suggest that this variant is not likely to affect RNA splicing. In summary, the available evidence is currently insufficient to determine the role of this variant in disease. Therefore, it has been classified as a Variant of Uncertain Significance.

Literature cited by the submitters: PubMed 17576681; PubMed 9536098.

NM_000342.4(SLC4A1):c.15+3G>A

Gene: SLC4A1 (solute carrier family 4 member 1 (Diego blood group); minus strand). Cytogenetic location: 17q21.31.
Variant type: single nucleotide variant.
Coding change: c.15+3G>A on transcript NM_000342.4 (MANE Select); 3 bases into the intron after coding-DNA position 15, G replaced by A.
Molecular consequence: intron variant.
Genome position (GRCh38, 1-based): chr17:44,262,849, C>T on the plus strand (G>A on the coding strand, the complement: SLC4A1 is on the minus strand). VCF-style: chr17-44262849-C-T. GRCh37 (hg19) VCF-style: chr17-42340217-C-T.
Identifiers: ClinVar variation 2076984 (VCV002076984.4), dbSNP rs374737980, ClinGen allele CA8600773.